The following is an entry in ClinVar:

NM_002693.3(POLG):c.717G>A (p.Leu239=)

Genes: POLGARF (POLG alternative reading frame; minus strand), POLG (DNA polymerase gamma, catalytic subunit; minus strand). Cytogenetic location: 15q26.1.
Variant type: single nucleotide variant.
Coding change: c.717G>A on transcript NM_002693.3 (MANE Select); coding-DNA position 717, G replaced by A.
Protein change: p.Leu239=; no amino-acid change (leucine 239 retained).
Molecular consequence: synonymous variant.
Genome position (GRCh38, 1-based): chr15:89,330,219, C>T on the plus strand (G>A on the coding strand, the complement: POLG is on the minus strand). VCF-style: chr15-89330219-C-T. GRCh37 (hg19) VCF-style: chr15-89873450-C-T.
Other names: c.717G>A, p.Leu239= (NM_001126131.2).
Identifiers: ClinVar variation 705414 (VCV000705414.10), dbSNP rs1188801234, ClinGen allele CA492080661.

ClinVar aggregate classification (germline): Likely benign. Review status: criteria provided, single submitter (1 of 4 stars). 2 submissions from 2 submitters: Likely benign (1). 1 of the submissions does not count toward it. Last evaluated 2024-01-10.

Conditions:
Progressive sclerosing poliodystrophy (MTDPS4A). Also called: Mitochondrial DNA depletion syndrome 4A (Alpers type); Alpers Syndrome; ALPERS DIFFUSE DEGENERATION OF CEREBRAL GRAY MATTER WITH HEPATIC CIRRHOSIS; Alpers-Huttenlocher Syndrome; NEURONAL DEGENERATION OF CHILDHOOD WITH LIVER DISEASE, PROGRESSIVE; ALPERS PROGRESSIVE INFANTILE POLIODYSTROPHY. Identifiers: Orphanet 726, MedGen C0205710, MONDO:0008758, OMIM 203700.
POLG-related disorder. Also called: POLG-Related Spectrum Disorders; POLG-related condition; POLG-Related Disorders. Identifiers: MedGen C4763519.

Allele frequency attached by ClinVar (database versions not stated): gnomAD exomes below 0.00001; TOPMed below 0.00001; gnomAD 0.00001.
gnomAD v4.1: 4 of 1,613,292 alleles (0.00025%); highest among the groups gnomAD compares: Non-Finnish European, 0.00025%; no homozygotes.

Submissions (2):

Labcorp Genetics (formerly Invitae), Labcorp
Classification: Likely benign for Progressive sclerosing poliodystrophy. Last evaluated: 2024-01-10. Review status: criteria provided, single submitter. Criteria: Invitae Variant Classification Sherloc (09022015). Collection method: clinical testing. Allele origin: germline.

PreventionGenetics, part of Exact Sciences
Classification: Likely benign for POLG-related condition. Last evaluated: 2021-03-08. Review status: no assertion criteria provided. Collection method: clinical testing. Allele origin: germline. Not counted in ClinVar's aggregate classification.
Comment: This variant is classified as likely benign based on ACMG/AMP sequence variant interpretation guidelines (Richards et al. 2015 PMID: 25741868, with internal and published modifications).